The following is an entry in ClinVar:

ClinVar aggregate classification (germline): Pathogenic (1 of 4 stars; one submission).

Submission:

Labcorp Genetics (formerly Invitae), Labcorp
Classification: Pathogenic. Last evaluated: 2023-01-05. Review status: criteria provided, single submitter. Criteria: Invitae Variant Classification Sherloc (09022015). Collection method: clinical testing. Allele origin: germline.
Comment: This variant is not present in population databases (gnomAD no frequency). This sequence change creates a premature translational stop signal (p.Pro861Glnfs*12) in the COL11A1 gene. It is expected to result in an absent or disrupted protein product. Loss-of-function variants in COL11A1 are known to be pathogenic (PMID: 20513134, 21035103, 23922384, 25240749, 32427345, 32756486). This variant has not been reported in the literature in individuals affected with COL11A1-related conditions. For these reasons, this variant has been classified as Pathogenic.

Literature cited by the submitters: PubMed 20513134; PubMed 21035103; PubMed 23922384; PubMed 25240749; PubMed 32427345; PubMed 32756486.

NM_001854.4(COL11A1):c.2580del (p.Pro861fs)

Gene: COL11A1 (collagen type XI alpha 1 chain; minus strand). Cytogenetic location: 1p21.1.
Variant type: Deletion.
Coding change: c.2580del on transcript NM_001854.4 (MANE Select); coding-DNA position 2580, one base deleted (T; older notation c.2580delT).
Protein change: p.Pro861fs; shifts the reading frame from proline 861.
Molecular consequence: frameshift variant. On other transcripts: non-coding transcript variant (1).
Genome position (GRCh38, 1-based): chr1:102,979,412, A deleted on the plus strand (T on the coding strand, the reverse complement: COL11A1 is on the minus strand); the first of 3 consecutive A bases (chr1:102,979,412-102,979,414); deleting any one gives the same sequence. VCF-style (leftmost placement, unchanged base first): chr1-102979411-GA-G. GRCh37 (hg19) VCF-style: chr1-103444967-GA-G.
Other names: c.2230delT, p.Pro745Glnfs (NM_001168249.1); c.2463del, p.Pro822fs (NM_001190709.2); c.2616del, p.Pro873fs (NM_080629.3); c.2232del, p.Pro745fs (NM_080630.4); short protein forms P822fs, P745fs, P861fs, P873fs.
Identifiers: ClinVar variation 2826355 (VCV002826355.3), dbSNP rs2525117956, ClinGen allele CA2739275160.
Genomic context (GRCh38, chr1:102,979,411, plus strand): 5'-ACATAGTTCAAAACATATTTATATATCATACCCGTGCACCTTTCTCTCCATTGGCACCTG[GA>G]AACCCAGGGAATCCAGTGGAACCCTACAATAATAAAAGTAAATAATGAATAAACATGGCA-3'